The following is an entry in ClinVar:

ClinVar aggregate classification (germline): Uncertain significance (1 of 4 stars; one submission).

Conditions:
Neuropathy, hereditary sensory and autonomic, type 2A (HSAN2A). Also called: ACROOSTEOLYSIS, NEUROGENIC; ACROOSTEOLYSIS, GIACCAI TYPE; MORVAN DISEASE; NEUROPATHY, CONGENITAL SENSORY; NEUROPATHY, HEREDITARY SENSORY RADICULAR, AUTOSOMAL RECESSIVE; NEUROPATHY, HEREDITARY SENSORY, TYPE IIA. Identifiers: Orphanet 970, MedGen C2752089, MONDO:0024309, OMIM 201300.
Generalized epilepsy with febrile seizures plus, type 7 (GEFSP7). Also called: GEFS+, TYPE 7. Identifiers: Orphanet 36387, MedGen C2751778, MONDO:0013470, OMIM 613863.

Allele frequency attached by ClinVar (database versions not stated): TOPMed below 0.00001.
gnomAD v4.1: 1 of 1,613,722 alleles (0.000062%); highest among the groups gnomAD compares: Non-Finnish European, 0.000085%; no homozygotes.

Submission:

Labcorp Genetics (formerly Invitae), Labcorp
Classification: Uncertain significance for Neuropathy, hereditary sensory and autonomic, type 2A; Generalized epilepsy with febrile seizures plus, type 7. Last evaluated: 2017-02-21. Review status: criteria provided, single submitter. Criteria: Invitae Variant Classification Sherloc (09022015). Collection method: clinical testing. Allele origin: germline.
Comment: In summary, this variant is a novel missense change that is not predicted to affect protein function. There is no indication that it causes disease, but the available evidence is currently insufficient to prove that conclusively. Therefore, it has been classified as a Variant of Uncertain Significance. Algorithms developed to predict the effect of missense changes on protein structure and function (SIFT, PolyPhen-2, Align-GVGD) all suggest that this variant is likely to be tolerated, but these predictions have not been confirmed by published functional studies. This variant is not present in population databases (ExAC no frequency) and has not been reported in the literature in individuals with an SCN9A-related disease. This sequence change replaces methionine with leucine at codon 249 of the SCN9A protein (p.Met249Leu). The methionine residue is highly conserved and there is a small physicochemical difference between methionine and leucine.

NM_001365536.1(SCN9A):c.745A>T (p.Met249Leu)

Gene: SCN9A (sodium voltage-gated channel alpha subunit 9; minus strand). Cytogenetic location: 2q24.3.
Variant type: single nucleotide variant.
Coding change: c.745A>T on transcript NM_001365536.1 (MANE Select); coding-DNA position 745, A replaced by T.
Protein change: p.Met249Leu; replaces methionine 249 with leucine.
Molecular consequence: missense variant.
Genome position (GRCh38, 1-based): chr2:166,303,246, T>A on the plus strand (A>T on the coding strand, the complement: SCN9A is on the minus strand). VCF-style: chr2-166303246-T-A. GRCh37 (hg19) VCF-style: chr2-167159756-T-A.
Other names: c.745A>T, p.Met249Leu (NM_002977.4); short protein forms M249L.
Identifiers: ClinVar variation 471163 (VCV000471163.9), dbSNP rs1553495224, ClinGen allele CA349093013.